The following is an entry in ClinVar:

NM_003289.4(TPM2):c.773-3_773-2insCA

Gene: TPM2 (tropomyosin 2; minus strand). Cytogenetic location: 9p13.3.
Variant type: Insertion.
Coding change: c.773-3_773-2insCA on transcript NM_003289.4 (MANE Select); 3 bases into the intron before coding-DNA position 773 through the canonical splice acceptor site of the intron before coding-DNA position 773, CA inserted.
Molecular consequence: intron variant.
Genome position: GRCh38 VCF-style: chr9-35683243-T-TTG. GRCh37 (hg19) VCF-style: chr9-35683240-T-TTG.
Other names: c.772+1002_772+1003insCA (NM_213674.1, NM_001301226.2); c.773-3_773-2insCA (NM_001301227.2).
Identifiers: ClinVar variation 2573502 (VCV002573502.1), dbSNP rs1554658494, ClinGen allele CA192756215.

ClinVar aggregate classification (germline): Uncertain significance (1 of 4 stars; one submission).

Submission:

Women's Health and Genetics/Laboratory Corporation of America, LabCorp
Classification: Uncertain significance. Last evaluated: 2023-06-05. Review status: criteria provided, single submitter. Criteria: LabCorp Variant Classification Summary - May 2015. Collection method: clinical testing. Allele origin: germline.
Comment: Variant summary: TPM2 c.773-3_773-2insCA alters a conserved nucleotide located close to a canonical splice site and therefore could affect mRNA splicing, leading to a significantly altered protein sequence. Several computational tools predict a significant impact on normal splicing: two predict the variant abolishes a 3' acceptor site, and two predict the variant weakens a 3' acceptor site. However, these predictions have yet to be confirmed by functional studies. The variant was absent in 154034 control chromosomes (gnomAD v2.1). The available data on variant occurrences in the general population are insufficient to allow any conclusion about variant significance. To our knowledge, no occurrence of c.773-3_773-2insCA in individuals affected with Nemaline Myopathy 4 and no experimental evidence demonstrating its impact on protein function have been reported. No clinical diagnostic laboratories have submitted clinical-significance assessments for this variant to ClinVar after 2014. Based on the evidence outlined above, the variant was classified as uncertain significance.